The following is an entry in ClinVar:

NM_001042492.3(NF1):c.4836-1G>C

Gene: NF1 (neurofibromin 1; plus strand). Cytogenetic location: 17q11.2.
Variant type: single nucleotide variant.
Coding change: c.4836-1G>C on transcript NM_001042492.3 (MANE Select); the canonical splice acceptor site of the intron before coding-DNA position 4836, G replaced by C.
Molecular consequence: splice acceptor variant.
Genome position (GRCh38, 1-based): chr17:31,325,819, G>C. VCF-style: chr17-31325819-G-C. GRCh37 (hg19) VCF-style: chr17-29652837-G-C.
Other names: c.4773-1G>C (NM_000267.4).
Identifiers: ClinVar variation 457719 (VCV000457719.11), dbSNP rs1057518326, ClinGen allele CA399006871.

ClinVar aggregate classification (germline): Pathogenic. Review status: criteria provided, multiple submitters, no conflicts (2 of 4 stars). 2 submissions from 2 submitters: Pathogenic (2). Last evaluated 2025-10-26.

Conditions:
Neurofibromatosis, type 1 (NF1). Also called: VON RECKLINGHAUSEN DISEASE; NEUROFIBROMATOSIS, TYPE I, SOMATIC; Peripheral type neurofibromatosis; Neurofibromatosis, type I. Identifiers: Orphanet 636, MedGen C0027831, MONDO:0018975, OMIM 162200. Disease mechanism: loss of function.

Submissions (2):

Labcorp Genetics (formerly Invitae), Labcorp
Classification: Pathogenic for Neurofibromatosis, type 1. Last evaluated: 2025-10-26. Review status: criteria provided, single submitter. Criteria: Invitae Variant Classification Sherloc (09022015). Collection method: clinical testing. Allele origin: germline.
Comment: This sequence change affects an acceptor splice site in intron 35 of the NF1 gene. It is expected to disrupt RNA splicing. Variants that disrupt the donor or acceptor splice site typically lead to a loss of protein function (PMID: 16199547), and loss-of-function variants in NF1 are known to be pathogenic (PMID: 10712197, 23913538). This variant is not present in population databases (gnomAD no frequency). Disruption of this splice site has been observed in individuals with clinical features of NF1-related disorders (PMID: 23913538; internal data). Invitae Evidence Modeling of clinical and family history, age, sex, and reported ancestry of multiple individuals with this NF1 variant has been performed. This variant is expected to be pathogenic with a positive predictive value of at least 99%. This is a validated machine learning model that incorporates the clinical features of 1,785,918 individuals referred to our laboratory for NF1 testing. ClinVar contains an entry for this variant (Variation ID: 457719). Algorithms developed to predict the effect of sequence changes on RNA splicing suggest that this variant may disrupt the consensus splice site. For these reasons, this variant has been classified as Pathogenic.

Juno Genomics, Hangzhou Juno Genomics, Inc
Classification: Pathogenic for Neurofibromatosis, type 1. Review status: criteria provided, single submitter. Criteria: ACMG Guidelines, 2015. Collection method: clinical testing. Allele origin: germline. Affected: yes.
Comment: Null variant in a gene where loss of function (LOF) is a known mechanism of disease.;Absent from controls (or at extremely low frequency if recessive) in Genome Aggregation Database, Exome Sequencing Project, 1000 Genomes Project, or Exome Aggregation Consortium.;De novo (both maternity and paternity confirmed) in a patient with the disease and no family history.;The prevalence of the variant in affected individuals is significantly increased compared to the prevalence in controls.;Patient's phenotype or family history is highly specific for a disease with a single genetic etiology.

Literature cited by the submitters: PubMed 16199547 (cited by Labcorp Genetics (formerly Invitae), Labcorp); PubMed 10712197 (cited by Labcorp Genetics (formerly Invitae), Labcorp); PubMed 23913538 (cited by Labcorp Genetics (formerly Invitae), Labcorp).